The following is an entry in ClinVar:

ClinVar aggregate classification (germline): Uncertain significance (1 of 4 stars; one submission).

Allele frequency attached by ClinVar (database versions not stated): gnomAD exomes below 0.00001.
gnomAD v4.1: 1 of 1,610,406 alleles (0.000062%); highest among the groups gnomAD compares: Non-Finnish European, 0.000085%; no homozygotes.

Submission:

GeneDx
Classification: Uncertain significance. Last evaluated: 2023-04-30. Review status: criteria provided, single submitter. Criteria: GeneDx Variant Classification Process June 2021. Collection method: clinical testing. Allele origin: germline. Affected: yes.
Comment: Not observed at significant frequency in large population cohorts (gnomAD); In silico analysis supports that this missense variant has a deleterious effect on protein structure/function; Has not been previously published as pathogenic or benign to our knowledge

NM_001003694.2(BRPF1):c.1240G>A (p.Ala414Thr)

Gene: BRPF1 (bromodomain and PHD finger containing 1; plus strand). Cytogenetic location: 3p25.3.
Variant type: single nucleotide variant.
Coding change: c.1240G>A on transcript NM_001003694.2 (MANE Select); coding-DNA position 1240, G replaced by A.
Protein change: p.Ala414Thr; replaces alanine 414 with threonine.
Molecular consequence: missense variant. On other transcripts: non-coding transcript variant (1).
Genome position (GRCh38, 1-based): chr3:9,739,639, G>A. VCF-style: chr3-9739639-G-A. GRCh37 (hg19) VCF-style: chr3-9781323-G-A.
Other names: c.1240G>A, p.Ala414Thr (NM_001319049.2, NM_001319050.2, NM_001410704.1 and 1 more transcripts); short protein forms A414T.
Identifiers: ClinVar variation 2663629 (VCV002663629.1), dbSNP rs2076996518, ClinGen allele CA351687636.